The following is an entry in ClinVar:

NM_001377540.1(SLMAP):c.563C>T (p.Thr188Met)

Gene: SLMAP (sarcolemma associated protein; plus strand). Cytogenetic location: 3p14.3.
Variant type: single nucleotide variant.
Coding change: c.563C>T on transcript NM_001377540.1 (MANE Select); coding-DNA position 563, C replaced by T.
Protein change: p.Thr188Met; replaces threonine 188 with methionine.
Molecular consequence: missense variant. On other transcripts: non-coding transcript variant (1).
Genome position (GRCh38, 1-based): chr3:57,857,776, C>T. VCF-style: chr3-57857776-C-T. GRCh37 (hg19) VCF-style: chr3-57843503-C-T.
Other names: c.563C>T, p.Thr188Met (NM_001304420.3, NM_001304421.2, NM_001377538.1 and 17 more transcripts); short protein forms T188M.
Identifiers: ClinVar variation 411197 (VCV000411197.7), dbSNP rs763740777, ClinGen allele CA2466874.
Genomic context (GRCh38, chr3:57,857,776, plus strand): 5'-GTGATTTGTAATACTAGGAGGCCTTACATCGGGAACAAATGTTGGAACAGAAGTTAGCCA[C>T]GCTTCAGCGGCTACTAGCCATCACCCAAGAGGCTTCAGATACCAGTTGGCAGGTATTCCA-3'
Protein context (NP_001364469.1, residues 178-198): REQMLEQKLA[Thr188Met]LQRLLAITQE

ClinVar aggregate classification (germline): Uncertain significance. Review status: criteria provided, multiple submitters, no conflicts (2 of 4 stars). 2 submissions from 2 submitters: Uncertain significance (2). Last evaluated 2025-11-21.

Conditions:
Brugada syndrome. Also called: Sudden Unexplained Death Syndrome; Sudden Unexplained Nocturnal Death Syndrome (SUNDS); Sudden unexpected nocturnal death syndrome; Sudden unexplained nocturnal death syndrome. Identifiers: Orphanet 130, MedGen C1142166, MONDO:0015263.

Allele frequency attached by ClinVar (database versions not stated): gnomAD 0.00001; gnomAD exomes 0.00001 and 0.00002; ExAC 0.00002.
gnomAD v4.1: 21 of 1,613,730 alleles (0.0013%); highest among the groups gnomAD compares: South Asian, 0.0066%; no homozygotes.

Submissions (2):

Labcorp Genetics (formerly Invitae), Labcorp
Classification: Uncertain significance for Brugada syndrome. Last evaluated: 2025-11-21. Review status: criteria provided, single submitter. Criteria: Invitae Variant Classification Sherloc (09022015). Collection method: clinical testing. Allele origin: germline.
Comment: This sequence change replaces threonine, which is neutral and polar, with methionine, which is neutral and non-polar, at codon 188 of the SLMAP protein (p.Thr188Met). This variant is present in population databases (rs763740777, gnomAD 0.006%). This variant has not been reported in the literature in individuals affected with SLMAP-related conditions. ClinVar contains an entry for this variant (Variation ID: 411197). An algorithm developed to predict the effect of missense changes on protein structure and function (PolyPhen-2) suggests that this variant is likely to be disruptive. In summary, the available evidence is currently insufficient to determine the role of this variant in disease. Therefore, it has been classified as a Variant of Uncertain Significance.

Ambry Genetics
Classification: Uncertain significance. Last evaluated: 2024-02-17. Review status: criteria provided, single submitter. Criteria: Ambry Variant Classification Scheme 2023. Collection method: clinical testing. Allele origin: germline.
Comment: The p.T188M variant (also known as c.563C>T), located in coding exon 6 of the SLMAP gene, results from a C to T substitution at nucleotide position 563. The threonine at codon 188 is replaced by methionine, an amino acid with similar properties. This amino acid position is conserved. In addition, the in silico prediction for this alteration is inconclusive. Since supporting evidence is limited at this time, the clinical significance of this alteration remains unclear.